The following is an entry in ClinVar:

ClinVar aggregate classification (germline): Benign/Likely benign. Review status: criteria provided, multiple submitters, no conflicts (2 of 4 stars). 3 submissions from 3 submitters: Benign (1); Likely benign (1). 1 of the submissions does not count toward it. Last evaluated 2026-01-08.

Conditions:
KCNQ4-related disorder. Also called: KCNQ4-related condition.

Allele frequency attached by ClinVar (database versions not stated): gnomAD exomes 0.00018; ExAC 0.00022; 1000 Genomes Project 30x 0.00078; ESP Exome Variant Server 0.00092; 1000 Genomes Project 0.00100; TOPMed 0.00114; gnomAD 0.00125 and 0.00133.
gnomAD v4.1: 305 of 908,650 alleles (0.034%); highest among the groups gnomAD compares: African/African-American, 0.55%; 2 homozygotes.

Submissions (3):

Labcorp Genetics (formerly Invitae), Labcorp
Classification: Benign. Last evaluated: 2026-01-08. Review status: criteria provided, single submitter. Criteria: Invitae Variant Classification Sherloc (09022015). Collection method: clinical testing. Allele origin: germline.

Blueprint Genetics
Classification: Likely benign. Last evaluated: 2023-02-15. Review status: criteria provided, single submitter. Criteria: ACMG Guidelines, 2015. Collection method: clinical testing. Allele origin: germline.

PreventionGenetics, part of Exact Sciences
Classification: Likely benign for KCNQ4-related condition. Last evaluated: 2019-08-13. Review status: no assertion criteria provided. Collection method: clinical testing. Allele origin: germline. Not counted in ClinVar's aggregate classification.
Comment: This variant is classified as likely benign based on ACMG/AMP sequence variant interpretation guidelines (Richards et al. 2015 PMID: 25741868, with internal and published modifications).

NM_004700.4(KCNQ4):c.1125C>G (p.Ser375=)

Gene: KCNQ4 (potassium voltage-gated channel subfamily Q member 4; plus strand). Cytogenetic location: 1p34.2.
Variant type: single nucleotide variant.
Coding change: c.1125C>G on transcript NM_004700.4 (MANE Select); coding-DNA position 1125, C replaced by G.
Protein change: p.Ser375=; no amino-acid change (serine 375 retained).
Molecular consequence: synonymous variant.
Genome position (GRCh38, 1-based): chr1:40,822,397, C>G. VCF-style: chr1-40822397-C-G. GRCh37 (hg19) VCF-style: chr1-41288069-C-G.
Other names: c.1125C>G, p.Ser375= (NM_172163.3); c.1125C>G (NM_004700.3).
Identifiers: ClinVar variation 1601175 (VCV001601175.11), dbSNP rs147168137, ClinGen allele CA794763.